The following is an entry in ClinVar:

ClinVar aggregate classification (germline): Uncertain significance (1 of 4 stars; one submission).

Allele frequency attached by ClinVar (database versions not stated): ExAC 0.00001; gnomAD 0.00003; TOPMed 0.00013.

Submission:

Labcorp Genetics (formerly Invitae), Labcorp
Classification: Uncertain significance. Last evaluated: 2025-03-17. Review status: criteria provided, single submitter. Criteria: Invitae Variant Classification Sherloc (09022015). Collection method: clinical testing. Allele origin: germline.
Comment: This sequence change replaces serine, which is neutral and polar, with leucine, which is neutral and non-polar, at codon 100 of the A4GALT protein (p.Ser100Leu). This variant is present in population databases (rs776304817, gnomAD 0.006%). This missense change has been observed in individual(s) with Pk synthase deficiency (PMID: 18067504). ClinVar contains an entry for this variant (Variation ID: 2057176). An algorithm developed to predict the effect of missense changes on protein structure and function (PolyPhen-2) suggests that this variant is likely to be disruptive. Experimental studies have shown that this missense change affects A4GALT function (PMID: 23927681). In summary, the available evidence is currently insufficient to determine the role of this variant in disease. Therefore, it has been classified as a Variant of Uncertain Significance.

Literature cited by the submitters: PubMed 18067504; PubMed 23927681.

NM_017436.7(A4GALT):c.299C>T (p.Ser100Leu)

Gene: A4GALT (alpha 1,4-galactosyltransferase (P1PK blood group); minus strand). Cytogenetic location: 22q13.2.
Variant type: single nucleotide variant.
Coding change: c.299C>T on transcript NM_017436.7 (MANE Select); coding-DNA position 299, C replaced by T.
Protein change: p.Ser100Leu; replaces serine 100 with leucine.
Molecular consequence: missense variant.
Genome position (GRCh38, 1-based): chr22:42,693,653, G>A on the plus strand (C>T on the coding strand, the complement: A4GALT is on the minus strand). VCF-style: chr22-42693653-G-A. GRCh37 (hg19) VCF-style: chr22-43089659-G-A.
Other names: c.299C>T, p.Ser100Leu (NM_001318038.3); short protein forms S100L.
Identifiers: ClinVar variation 2057176 (VCV002057176.4), dbSNP rs776304817, ClinGen allele CA10270337.
Genomic context (GRCh38, chr22:42,693,653, plus strand): 5'-CCACCCGGAAGCCCTTTCATCAGGACCAGCACGTGGGATTCGGGGTGAGTTCTGGCGGCC[G>A]ACTCCACCGAGCACATGAACAGGAAGTTGGGGTTGGTCCGGTCTGAAGTCTCCAGGAAGA-3'
Protein context (NP_059132.1, residues 90-110): PNFLFMCSVE[Ser100Leu]AARTHPESHV